The following is an entry in ClinVar:

ClinVar aggregate classification (germline): Uncertain significance (1 of 4 stars; one submission).

Conditions:
Neurofibromatosis, type 1 (NF1). Also called: NEUROFIBROMATOSIS, TYPE I, SOMATIC; Neurofibromatosis, type I; Peripheral type neurofibromatosis; VON RECKLINGHAUSEN DISEASE. Identifiers: Orphanet 636, MedGen C0027831, MONDO:0018975, OMIM 162200. Disease mechanism: loss of function.

Submission:

Labcorp Genetics (formerly Invitae), Labcorp
Classification: Uncertain significance for Neurofibromatosis, type 1. Last evaluated: 2022-03-28. Review status: criteria provided, single submitter. Criteria: Invitae Variant Classification Sherloc (09022015). Collection method: clinical testing. Allele origin: germline.
Comment: This sequence change replaces valine, which is neutral and non-polar, with alanine, which is neutral and non-polar, at codon 14 of the NF1 protein (p.Val14Ala). This variant is not present in population databases (gnomAD no frequency). This variant has not been reported in the literature in individuals affected with NF1-related conditions. Advanced modeling of protein sequence and biophysical properties (such as structural, functional, and spatial information, amino acid conservation, physicochemical variation, residue mobility, and thermodynamic stability) performed at Invitae indicates that this missense variant is not expected to disrupt NF1 protein function. In summary, the available evidence is currently insufficient to determine the role of this variant in disease. Therefore, it has been classified as a Variant of Uncertain Significance.

NM_001042492.3(NF1):c.41T>C (p.Val14Ala)

Genes: MIR4733HG (MIR4733 host gene; minus strand), NF1 (neurofibromin 1; plus strand), LOC111811965 (NF1 (neurofibromin 1) promoter region; plus strand). Cytogenetic location: 17q11.2.
Variant type: single nucleotide variant.
Coding change: c.41T>C on transcript NM_001042492.3 (MANE Select); coding-DNA position 41, T replaced by C.
Protein change: p.Val14Ala; replaces valine 14 with alanine.
Molecular consequence: missense variant. On other transcripts: non-coding transcript variant (1).
Genome position (GRCh38, 1-based): chr17:31,095,350, T>C. VCF-style: chr17-31095350-T-C. GRCh37 (hg19) VCF-style: chr17-29422368-T-C.
Other names: c.41T>C, p.Val14Ala (NM_000267.4, NM_001128147.3); short protein forms V14A.
Identifiers: ClinVar variation 2119061 (VCV002119061.4), dbSNP rs2143145332, ClinGen allele CA398979332.
Genomic context (GRCh38, chr17:31,095,350, plus strand): 5'-CCCCCGGCCGCGGGGAGGACATGGCCGCGCACAGGCCGGTGGAATGGGTCCAGGCCGTGG[T>C]CAGCCGCTTCGACGAGCAGGTAACCGGCCCGTGGCGGGCGGGAGGTGGGAGCGGAGTGGG-3'
Protein context (NP_001035957.1, residues 4-24): HRPVEWVQAV[Val14Ala]SRFDEQLPIK